The following is an entry in ClinVar:

ClinVar aggregate classification (germline): Conflicting classifications of pathogenicity. Review status: criteria provided, conflicting classifications (1 of 4 stars). 8 submissions from 8 submitters: Uncertain significance (6); Likely benign (1). 1 of the submissions does not count toward it. Last evaluated 2024-03-07.

Conditions:
Cardiovascular phenotype. Identifiers: MedGen CN230736.
Autosomal recessive limb-girdle muscular dystrophy type 2J (LGMDR10). Also called: MUSCULAR DYSTROPHY, LIMB-GIRDLE, AUTOSOMAL RECESSIVE 10; Limb-girdle muscular dystrophy, type 2J. Identifiers: Orphanet 140922, MedGen C1837342, MONDO:0012127, OMIM 608807.
Dilated cardiomyopathy 1G (CMD1G). Identifiers: Orphanet 154, MedGen C1858763, MONDO:0011400, OMIM 604145.
Myopathy, myofibrillar, 9, with early respiratory failure (MFM9). Also called: Hereditary myopathy with early respiratory failure; EDSTROM MYOPATHY; MYOPATHY, PROXIMAL, WITH EARLY RESPIRATORY MUSCLE INVOLVEMENT; Myopathy, distal, with early respiratory failure, autosomal dominant. Identifiers: Orphanet 178464, Orphanet 34521, MedGen C1863599, MONDO:0011362, OMIM 603689.
Hypertrophic cardiomyopathy 9. Also called: Familial hypertrophic cardiomyopathy 9. Identifiers: MedGen C1861065, MONDO:0013412, OMIM 613765.
Early-onset myopathy with fatal cardiomyopathy (CMYO5). Also called: CONGENITAL MYOPATHY 5 WITH CARDIOMYOPATHY; Salih Myopathy. Identifiers: Orphanet 289377, MedGen C2673677, MONDO:0012714, OMIM 611705. Disease mechanism: loss of function.
Tibial muscular dystrophy (TMD). Also called: Tibial muscular dystrophy, tardive; UDD MYOPATHY; Udd Distal Myopathy – Tibial Muscular Dystrophy. Identifiers: Orphanet 609, MedGen C1838244, MONDO:0010870, OMIM 600334.
Dilated cardiomyopathy 1S (CMD1S). Identifiers: Orphanet 154, Orphanet 54260, MedGen C1834481, MONDO:0013262, OMIM 613426.

Allele frequency attached by ClinVar (database versions not stated): gnomAD 0.00003 and 0.00004; gnomAD exomes 0.00004 and 0.00006; ExAC 0.00005; TOPMed 0.00005.
gnomAD v4.1: 62 of 1,613,562 alleles (0.0038%); highest among the groups gnomAD compares: South Asian, 0.015%; no homozygotes.

Submissions (8):

Blueprint Genetics
Classification: Likely benign. Last evaluated: 2024-03-07. Review status: criteria provided, single submitter. Criteria: ACMG Guidelines, 2015. Collection method: clinical testing. Allele origin: germline.

Revvity Omics, Revvity
Classification: Uncertain significance. Last evaluated: 2023-10-17. Review status: criteria provided, single submitter. Criteria: ACMG Guidelines, 2015. Collection method: clinical testing. Allele origin: germline.

Fulgent Genetics
Classification: Uncertain significance for Tibial muscular dystrophy; Myopathy, myofibrillar, 9, with early respiratory failure; Dilated cardiomyopathy 1G; Autosomal recessive limb-girdle muscular dystrophy type 2J; Early-onset myopathy with fatal cardiomyopathy; Hypertrophic cardiomyopathy 9. Last evaluated: 2021-08-17. Review status: criteria provided, single submitter. Criteria: ACMG Guidelines, 2015. Collection method: clinical testing. Allele origin: unknown.

Labcorp Genetics (formerly Invitae), Labcorp
Classification: Uncertain significance for Dilated cardiomyopathy 1G; Autosomal recessive limb-girdle muscular dystrophy type 2J. Last evaluated: 2018-01-29. Review status: criteria provided, single submitter. Criteria: Invitae Variant Classification Sherloc (09022015). Collection method: clinical testing. Allele origin: germline.
Comment: This sequence change replaces arginine with glutamine at codon 32920 of the TTN protein (p.Arg32920Gln). There is a small physicochemical difference between arginine and glutamine. This variant is present in population databases (rs752015224, ExAC 0.02%). This variant has not been reported in the literature in individuals with TTN-related disease. ClinVar contains an entry for this variant (Variation ID: 191836). This variant identified in the TTN gene is located in the A band of the resulting protein (PMID: 25589632). It is unclear how this variant impacts the function of this protein. Algorithms developed to predict the effect of sequence changes on RNA splicing suggest that this variant may create or strengthen a splice site, but this prediction has not been confirmed by published transcriptional studies. Algorithms developed to predict the effect of missense changes on protein structure and function are unavailable for the TTN gene. In summary, the available evidence is currently insufficient to determine the role of this variant in disease. Therefore, it has been classified as a Variant of Uncertain Significance.

Ambry Genetics
Classification: Uncertain significance for Cardiovascular phenotype. Last evaluated: 2017-08-08. Review status: criteria provided, single submitter. Criteria: Ambry Variant Classification Scheme 2023. Collection method: clinical testing. Allele origin: germline.
Comment: The p.R23855Q variant (also known as c.71564G>A), located in coding exon 180 of the TTN gene, results from a G to A substitution at nucleotide position 71564. The arginine at codon 23855 is replaced by glutamine, an amino acid with highly similar properties. This alteration has been reported as a secondary cardiac variant in an exome cohort (Ng D et al. Circ Cardiovasc Genet, 2013 Aug;6:337-46). This amino acid position is highly conserved in available vertebrate species. In addition, this alteration is predicted to be tolerated by in silico analysis. Since supporting evidence is limited at this time, the clinical significance of this alteration remains unclear.

GeneDx
Classification: Uncertain significance. Last evaluated: 2014-08-18. Review status: criteria provided, single submitter. Criteria: GeneDx Variant Classification (06012015). Collection method: clinical testing. Allele origin: germline. Affected: yes.
Comment: Missense variants in the TTN gene are considered 'unclassified' if they are not previously reported in the literature and do not have >1% frequency in the population to be considered a polymorphism. Research indicates that truncating mutations in the TTN gene are expected to account for approximately 25% of familial and 18% of sporadic idiopathic DCM; however, truncating variants in the TTN gene have been reported in approximately 3% of reported control alleles. There has been little investigation into non-truncating variants. (Herman D et al. Truncations of titin causing dilated cardiomyopathy. N Eng J Med 366:619-628, 2012) The variant is found in DCM-CRDM panel(s).

Biesecker Lab/Clinical Genomics Section, National Institutes of Health
Classification: Uncertain significance. Last evaluated: 2013-06-24. Review status: criteria provided, single submitter. Criteria: Ng et al. (Circ Cardiovasc Genet. 2013). Collection method: research. Allele origin: unknown. Observed: 1 variant allele. Study: ClinSeq.
Comment: The study set was not selected for affection status in relation to any cancer. Pathogenicity categories were based on literature curation. See Pubmed ID:23861362 for details.

Medical sequencing

Institut für Laboratoriums- und Transfusionsmedizin, Herz- und Diabeteszentrum Nordrhein-Westfalen
Classification: Uncertain significance for Dilated cardiomyopathy 1S. Last evaluated: 2016-05-01. Review status: no assertion criteria provided. Collection method: research. Allele origin: germline. Affected: yes. Observed: 1 variant allele. Not counted in ClinVar's aggregate classification.

Literature cited by the submitters: PubMed 25589632 (cited by Labcorp Genetics (formerly Invitae), Labcorp); PubMed 23861362 (cited by Ambry Genetics).

NM_001267550.2(TTN):c.98759G>A (p.Arg32920Gln)

Genes: TTN-AS1 (TTN antisense RNA 1; plus strand), TTN (titin; minus strand). Cytogenetic location: 2q31.2.
Variant type: single nucleotide variant.
Coding change: c.98759G>A on transcript NM_001267550.2 (MANE Select); coding-DNA position 98759, G replaced by A.
Protein change: p.Arg32920Gln; replaces arginine 32920 with glutamine.
Molecular consequence: missense variant. On other transcripts: non-coding transcript variant (1).
Genome position (GRCh38, 1-based): chr2:178,539,176, C>T on the plus strand (G>A on the coding strand, the complement: TTN is on the minus strand). VCF-style: chr2-178539176-C-T. GRCh37 (hg19) VCF-style: chr2-179403903-C-T.
Other names: p.R31279Q:CGG>CAG; c.93836G>A, p.Arg31279Gln (NM_001256850.1); c.71564G>A, p.Arg23855Gln (NM_003319.4); c.91055G>A, p.Arg30352Gln (NM_133378.4); c.71939G>A, p.Arg23980Gln (NM_133432.3); c.72140G>A, p.Arg24047Gln (NM_133437.4); c.98759G>A (LRG_391t1); short protein forms R30352Q, R32920Q, R31279Q, R23855Q, R23980Q, R24047Q.
Identifiers: ClinVar variation 191836 (VCV000191836.12), dbSNP rs752015224, ClinGen allele CA302403.